The following is an entry in ClinVar:

NM_001277115.2(DNAH11):c.8262del (p.Asp2755fs)

Gene: DNAH11 (dynein axonemal heavy chain 11; plus strand). Cytogenetic location: 7p15.3.
Variant type: Deletion.
Coding change: c.8262del on transcript NM_001277115.2 (MANE Select); coding-DNA position 8262, one base deleted (A; older notation c.8262delA).
Protein change: p.Asp2755fs; shifts the reading frame from aspartic acid 2755.
Molecular consequence: frameshift variant.
Genome position (GRCh38, 1-based): chr7:21,744,545, A deleted; the last of 6 consecutive A bases (chr7:21,744,540-21,744,545); deleting any one gives the same sequence. VCF-style (leftmost placement, unchanged base first): chr7-21744539-CA-C. GRCh37 (hg19) VCF-style: chr7-21784157-CA-C.
Other names: short protein forms D2755fs.
Identifiers: ClinVar variation 5039229 (VCV005039229.1).

ClinVar aggregate classification (germline): Pathogenic (1 of 4 stars; one submission).

Submission:

CeGaT Center for Human Genetics Tuebingen
Classification: Pathogenic. Last evaluated: 2026-07-01. Review status: criteria provided, single submitter. Criteria: CeGaT Center For Human Genetics Tuebingen Variant Classification Criteria Version 2. Collection method: clinical testing. Allele origin: germline. Affected: yes. Observed: 1 variant allele.
Comment: DNAH11: PVS1, PM2